The following is an entry in ClinVar:

NM_017644.3(KLHL24):c.1224+10A>T

Gene: KLHL24 (kelch like family member 24; plus strand). Cytogenetic location: 3q27.1.
Variant type: single nucleotide variant.
Coding change: c.1224+10A>T on transcript NM_017644.3 (MANE Select); 10 bases into the intron after coding-DNA position 1224, A replaced by T.
Molecular consequence: intron variant.
Genome position (GRCh38, 1-based): chr3:183,665,049, A>T. VCF-style: chr3-183665049-A-T. GRCh37 (hg19) VCF-style: chr3-183382837-A-T.
Other names: c.1224+10A>T (NM_001349418.1, NM_001349424.1, NM_001349413.1 and 11 more transcripts); c.381+10A>T (NM_001349428.1, NM_001349429.1).
Identifiers: ClinVar variation 1616379 (VCV001616379.11), dbSNP rs115223597, ClinGen allele CA2721697.

ClinVar aggregate classification (germline): Benign/Likely benign. Review status: criteria provided, multiple submitters, no conflicts (2 of 4 stars). 4 submissions from 4 submitters: Benign (2); Likely benign (1). 1 of the submissions does not count toward it. Last evaluated 2026-01-25.

Conditions:
KLHL24-related disorder. Also called: KLHL24-related condition.

Allele frequency attached by ClinVar (database versions not stated): gnomAD exomes 0.00209; ExAC 0.00255; gnomAD 0.00822 and 0.00876; ESP Exome Variant Server 0.00884; TOPMed 0.00931; 1000 Genomes Project 0.01078; 1000 Genomes Project 30x 0.01156.
gnomAD v4.1: 2,359 of 1,408,092 alleles (0.17%); highest among the groups gnomAD compares: African/African-American, 3%; 33 homozygotes.

Submissions (4):

Labcorp Genetics (formerly Invitae), Labcorp
Classification: Benign. Last evaluated: 2026-01-25. Review status: criteria provided, single submitter. Criteria: Invitae Variant Classification Sherloc (09022015). Collection method: clinical testing. Allele origin: germline.

Blueprint Genetics
Classification: Likely benign. Last evaluated: 2024-10-14. Review status: criteria provided, single submitter. Criteria: ACMG Guidelines, 2015. Collection method: clinical testing. Allele origin: germline.

Breakthrough Genomics
Classification: Benign. Review status: criteria provided, single submitter. Criteria: ACMG Guidelines, 2015. Collection method: not provided. Allele origin: germline. Inheritance: Autosomal dominant inheritance. Affected: yes.

PreventionGenetics, part of Exact Sciences
Classification: Benign for KLHL24-related condition. Last evaluated: 2024-05-29. Review status: no assertion criteria provided. Collection method: clinical testing. Allele origin: germline. Not counted in ClinVar's aggregate classification.
Comment: This variant is classified as benign based on ACMG/AMP sequence variant interpretation guidelines (Richards et al. 2015 PMID: 25741868, with internal and published modifications).